The following is an entry in ClinVar:

NM_004482.4(GALNT3):c.928G>A (p.Asp310Asn)

Gene: GALNT3 (polypeptide N-acetylgalactosaminyltransferase 3; minus strand). Cytogenetic location: 2q24.3.
Variant type: single nucleotide variant.
Coding change: c.928G>A on transcript NM_004482.4 (MANE Select); coding-DNA position 928, G replaced by A.
Protein change: p.Asp310Asn; replaces aspartic acid 310 with asparagine.
Molecular consequence: missense variant.
Genome position (GRCh38, 1-based): chr2:165,759,481, C>T on the plus strand (G>A on the coding strand, the complement: GALNT3 is on the minus strand). VCF-style: chr2-165759481-C-T. GRCh37 (hg19) VCF-style: chr2-166615991-C-T.
Other names: short protein forms D310N.
Identifiers: ClinVar variation 639522 (VCV000639522.9), dbSNP rs1573999653, ClinGen allele CA349037394.

ClinVar aggregate classification (germline): Uncertain significance. Review status: criteria provided, multiple submitters, no conflicts (2 of 4 stars). 2 submissions from 2 submitters: Uncertain significance (2). Last evaluated 2023-09-22.

Conditions:
Inborn genetic diseases. Identifiers: MedGen C0950123, MeSH D030342.

Submissions (2):

Ambry Genetics
Classification: Uncertain significance for Inborn genetic diseases. Last evaluated: 2023-09-22. Review status: criteria provided, single submitter. Criteria: Ambry Variant Classification Scheme 2023. Collection method: clinical testing. Allele origin: germline.

Labcorp Genetics (formerly Invitae), Labcorp
Classification: Uncertain significance. Last evaluated: 2018-12-14. Review status: criteria provided, single submitter. Criteria: Invitae Variant Classification Sherloc (09022015). Collection method: clinical testing. Allele origin: germline.
Comment: Algorithms developed to predict the effect of missense changes on protein structure and function are either unavailable or do not agree on the potential impact of this missense change (SIFT: "Tolerated"; PolyPhen-2: "Probably Damaging"; Align-GVGD: "Class C0"). This variant has not been reported in the literature in individuals with GALNT3-related conditions. This variant is not present in population databases (ExAC no frequency). This sequence change replaces aspartic acid with asparagine at codon 310 of the GALNT3 protein (p.Asp310Asn). The aspartic acid residue is highly conserved and there is a small physicochemical difference between aspartic acid and asparagine. In summary, the available evidence is currently insufficient to determine the role of this variant in disease. Therefore, it has been classified as a Variant of Uncertain Significance.